The following is an entry in ClinVar:

ClinVar aggregate classification (germline): Uncertain significance (1 of 4 stars; one submission).

Conditions:
Epidermodysplasia verruciformis. Identifiers: Orphanet 302, MedGen C0014522, MONDO:0009176.

Allele frequency attached by ClinVar (database versions not stated): gnomAD exomes 0.00002 and 0.00003; gnomAD 0.00003 and 0.00004; ExAC 0.00004; TOPMed 0.00004; ESP Exome Variant Server 0.00008.
gnomAD v4.1: 29 of 1,613,452 alleles (0.0018%); highest among the groups gnomAD compares: South Asian, 0.012%; no homozygotes.

Submission:

Labcorp Genetics (formerly Invitae), Labcorp
Classification: Uncertain significance for Epidermodysplasia verruciformis. Last evaluated: 2025-12-10. Review status: criteria provided, single submitter. Criteria: Invitae Variant Classification Sherloc (09022015). Collection method: clinical testing. Allele origin: germline.
Comment: This sequence change replaces valine, which is neutral and non-polar, with methionine, which is neutral and non-polar, at codon 439 of the TMC8 protein (p.Val439Met). This variant is present in population databases (rs370144998, gnomAD 0.01%). This variant has not been reported in the literature in individuals affected with TMC8-related conditions. ClinVar contains an entry for this variant (Variation ID: 849858). Invitae Evidence Modeling of protein sequence and biophysical properties (such as structural, functional, and spatial information, amino acid conservation, physicochemical variation, residue mobility, and thermodynamic stability) indicates that this missense variant is not expected to disrupt TMC8 protein function with a negative predictive value of 80%. In summary, the available evidence is currently insufficient to determine the role of this variant in disease. Therefore, it has been classified as a Variant of Uncertain Significance.

NM_152468.5(TMC8):c.1315G>A (p.Val439Met)

Gene: TMC8 (transmembrane channel like 8; plus strand). Cytogenetic location: 17q25.3.
Variant type: single nucleotide variant.
Coding change: c.1315G>A on transcript NM_152468.5 (MANE Select); coding-DNA position 1315, G replaced by A.
Protein change: p.Val439Met; replaces valine 439 with methionine.
Molecular consequence: missense variant.
Genome position (GRCh38, 1-based): chr17:78,137,780, G>A. VCF-style: chr17-78137780-G-A. GRCh37 (hg19) VCF-style: chr17-76133861-G-A.
Other names: short protein forms V439M.
Identifiers: ClinVar variation 849858 (VCV000849858.10), dbSNP rs370144998, ClinGen allele CA8796804.
Genomic context (GRCh38, chr17:78,137,780, plus strand): 5'-TGGGAGAACTCCGTGGGGGAGGAGCTGTACAAGCTGAGTATCTTCAACTTCCTCCTCACC[G>A]TGGCCTTCGCCTTCCTGGTCACCCTGCCTCGGAGGTGAGCCCCGGGGTGACACCTCCAGA-3'
Protein context (NP_689681.2, residues 429-449): KLSIFNFLLT[Val439Met]AFAFLVTLPR